The following is an entry in ClinVar:

ClinVar aggregate classification (germline): Pathogenic. Review status: criteria provided, multiple submitters, no conflicts (2 of 4 stars). 3 submissions from 3 submitters: Pathogenic (2). 1 of the submissions does not count toward it. Last evaluated 2026-02-02.

Conditions:
Hypotonia, infantile, with psychomotor retardation and characteristic facies 2 (IHPRF2). Also called: UNC80 Deficiency. Identifiers: Orphanet 371364, Orphanet 700333, MedGen C4225203, MONDO:0014777, OMIM 616801.

Allele frequency attached by ClinVar (database versions not stated): gnomAD exomes below 0.00001; 1000 Genomes Project 30x 0.00016.
gnomAD v4.1: 1 of 1,613,578 alleles (0.000062%); highest among the groups gnomAD compares: Non-Finnish European, 0.000085%; no homozygotes.

Submissions (3):

Dasa
Classification: Pathogenic. Last evaluated: 2026-02-02. Review status: criteria provided, single submitter. Criteria: DASA Assertion Criteria. Collection method: clinical testing. Allele origin: germline.
Comment: NM_001371986.1(UNC80):c.151C>T (p.Arg51*) introduces a premature termination codon predicted to result in loss of normal protein function. Loss-of-function is an established mechanism of disease for this gene. Segregation evidence has been reported in affected families. This variant has been observed in affected individuals with related phenotype in a genotype context consistent with recessive disease (PMID: 26545877). Functional evidence supports a deleterious effect on the gene or gene product (PMID: 26545877). This variant has been reported in individuals with related phenotype (PMID: 26545877). The variant is present at low frequency in population datasets. Based on the available data, this variant is classified as pathogenic.

Women's Health and Genetics/Laboratory Corporation of America, LabCorp
Classification: Pathogenic for Hypotonia, infantile, with psychomotor retardation and characteristic facies 2. Last evaluated: 2022-12-02. Review status: criteria provided, single submitter. Criteria: LabCorp Variant Classification Summary - May 2015. Collection method: clinical testing. Allele origin: germline.
Comment: Variant summary: UNC80 c.151C>T (p.Arg51X) results in a premature termination codon, predicted to cause a truncation of the encoded protein or absence of the protein due to nonsense mediated decay, which are commonly known mechanisms for disease. Truncations downstream of this position have been classified as pathogenic in ClinVar and HGMD. The variant was absent in 251190 control chromosomes. c.151C>T has been reported in the literature in multiple homozygous individuals of a remotely related consanguineous Bedouin kindred, affected with Infantile Hypotonia With Psychomotor Retardation And Characteristic Facies 2 (Perez_2016). These data indicate that the variant is very likely to be associated with disease. Experimental evidence evaluating an impact on protein function, demonstrated the variant protein was not expressed in vitro (Perez_2016). A ClinVar submitter (evaluation after 2014) cites the variant as pathogenic. Based on the evidence outlined above, the variant was classified as pathogenic.

OMIM
Classification: Pathogenic for HYPOTONIA, INFANTILE, WITH PSYCHOMOTOR RETARDATION AND CHARACTERISTIC FACIES 2. Last evaluated: 2016-06-14. Review status: no assertion criteria provided. Collection method: literature only. Allele origin: germline. Not counted in ClinVar's aggregate classification.

Literature cited by the submitters: PubMed 26545877 (cited by 3 submitters); PubMed 31839005 (cited by Women's Health and Genetics/Laboratory Corporation of America, LabCorp); PubMed 30771478 (cited by Women's Health and Genetics/Laboratory Corporation of America, LabCorp); PubMed 29430593 (cited by Women's Health and Genetics/Laboratory Corporation of America, LabCorp).

NM_001371986.1(UNC80):c.151C>T (p.Arg51Ter)

Gene: UNC80 (unc-80 subunit of NALCN channel complex; plus strand). Cytogenetic location: 2q34.
Variant type: single nucleotide variant.
Coding change: c.151C>T on transcript NM_001371986.1 (MANE Select); coding-DNA position 151, C replaced by T.
Protein change: p.Arg51Ter; replaces arginine 51 with a stop codon.
Molecular consequence: nonsense.
Genome position (GRCh38, 1-based): chr2:209,775,898, C>T. VCF-style: chr2-209775898-C-T. GRCh37 (hg19) VCF-style: chr2-210640622-C-T.
Other names: c.151C>T, p.Arg51Ter (NM_032504.2, NM_182587.4); short protein forms R51*.
Identifiers: ClinVar variation 222017 (VCV000222017.4), dbSNP rs869025320, ClinGen allele CA351629.
Genomic context (GRCh38, chr2:209,775,898, plus strand): 5'-CGTGGTTTTGGATTTTGGCTTTTCTTATTGTTTTTGTTTTTGTATTTACAGTCCTTTGAG[C>T]GAGTGTTGGTAGAAAACAAGCTGCATGGCCTCTCTCCAGCTCTCTCTGAAGCCATCCAGA-3'